The following is an entry in ClinVar:

ClinVar aggregate classification (germline): Benign. Review status: criteria provided, multiple submitters, no conflicts (2 of 4 stars). 8 submissions from 8 submitters: Benign (7). 1 of the submissions does not count toward it. Last evaluated 2026-02-04.

Conditions:
Pituitary hormone deficiency, combined, 2. Also called: HANHART DWARFISM; PITUITARY DWARFISM III; PROP1-Related Combined Pituitary Hormone Deficiency; ATELIOTIC DWARFISM WITH HYPOGONADISM. Identifiers: MedGen C0878683, MONDO:0009878, OMIM 262600.

Allele frequency attached by ClinVar (database versions not stated): gnomAD exomes 0.50653 and 0.54117; 1000 Genomes Project 0.50659; 1000 Genomes Project 30x 0.50812; ExAC 0.51134; TOPMed 0.53642; gnomAD 0.54081 and 0.54780; ESP Exome Variant Server 0.55820.

Submissions (8):

Labcorp Genetics (formerly Invitae), Labcorp
Classification: Benign. Last evaluated: 2026-02-04. Review status: criteria provided, single submitter. Criteria: Invitae Variant Classification Sherloc (09022015). Collection method: clinical testing. Allele origin: germline.

Blueprint Genetics
Classification: Benign. Last evaluated: 2024-11-26. Review status: criteria provided, single submitter. Criteria: ACMG Guidelines, 2015. Collection method: clinical testing. Allele origin: germline.

Genome-Nilou Lab
Classification: Benign for Pituitary hormone deficiency, combined, 2. Last evaluated: 2021-07-10. Review status: criteria provided, single submitter. Criteria: ACMG Guidelines, 2015. Collection method: clinical testing. Allele origin: germline. Affected: no.

GeneDx
Classification: Benign. Last evaluated: 2018-08-09. Review status: criteria provided, single submitter. Criteria: GeneDx Variant Classification Process June 2021. Collection method: clinical testing. Allele origin: germline. Affected: yes.

Illumina Laboratory Services, Illumina
Classification: Benign for Pituitary hormone deficiency, combined, 2. Last evaluated: 2018-01-13. Review status: criteria provided, single submitter. Criteria: ICSL Variant Classification Criteria 13 December 2019. Collection method: clinical testing. Allele origin: germline.
Comment: This variant was observed in the ICSL laboratory as part of a predisposition screen in an ostensibly healthy population. It had not been previously curated by ICSL or reported in the Human Gene Mutation Database (HGMD: prior to June 1st, 2018), and was therefore a candidate for classification through an automated scoring system. Utilizing variant allele frequency, disease prevalence and penetrance estimates, and inheritance mode, an automated score was calculated to assess if this variant is too frequent to cause the disease. Based on the score and internal cut-off values, a variant classified as benign is not then subjected to further curation. The score for this variant resulted in a classification of benign for this disease.

Athena Diagnostics
Classification: Benign. Last evaluated: 2017-07-27. Review status: criteria provided, single submitter. Criteria: Athena Diagnostics Criteria. Collection method: clinical testing. Allele origin: germline.

Laboratory for Molecular Medicine, Mass General Brigham Personalized Medicine
Classification: Benign. Last evaluated: 2016-03-29. Review status: criteria provided, single submitter. Criteria: LMM Criteria. Collection method: clinical testing. Allele origin: germline.
Comment: Variant identified in a genome or exome case(s) and assessed due to predicted null impact of the variant or pathogenic assertions in the literature or databases. Disclaimer: This variant has not undergone full assessment. The following are preliminary notes: Frequency

Natera, Inc.
Classification: Benign for Combined pituitary hormone deficiency type 2. Last evaluated: 2020-09-16. Review status: no assertion criteria provided. Collection method: clinical testing. Allele origin: germline. Not counted in ClinVar's aggregate classification.

NM_006261.5(PROP1):c.109+3G>A

Gene: PROP1 (PROP paired-like homeobox 1; minus strand). Cytogenetic location: 5q35.3.
Variant type: single nucleotide variant.
Coding change: c.109+3G>A on transcript NM_006261.5 (MANE Select); 3 bases into the intron after coding-DNA position 109, G replaced by A.
Molecular consequence: intron variant.
Genome position (GRCh38, 1-based): chr5:177,995,822, C>T on the plus strand (G>A on the coding strand, the complement: PROP1 is on the minus strand). VCF-style: chr5-177995822-C-T. GRCh37 (hg19) VCF-style: chr5-177422823-C-T.
Identifiers: ClinVar variation 353016 (VCV000353016.23), dbSNP rs4072924, ClinGen allele CA3587636.